The following is an entry in ClinVar:

ClinVar aggregate classification (germline): Likely benign. Review status: criteria provided, multiple submitters, no conflicts (2 of 4 stars). 2 submissions from 2 submitters: Likely benign (2). Last evaluated 2018-01-13.

Conditions:
White sponge nevus 1. Also called: LEUKOKERATOSIS, HEREDITARY MUCOSAL. Identifiers: MedGen C4011926, MONDO:0008676, OMIM 193900.

gnomAD v4.1: 72 of 1,612,624 alleles (0.0045%); highest among the groups gnomAD compares: Middle Eastern, 0.019%; no homozygotes.

Submissions (2):

Illumina Laboratory Services, Illumina
Classification: Likely benign for White sponge nevus 1. Last evaluated: 2018-01-13. Review status: criteria provided, single submitter. Criteria: ICSL Variant Classification Criteria 13 December 2019. Collection method: clinical testing. Allele origin: germline.
Comment: This variant was observed in the ICSL laboratory as part of a predisposition screen in an ostensibly healthy population. It had not been previously curated by ICSL or reported in the Human Gene Mutation Database (HGMD: prior to June 1st, 2018), and was therefore a candidate for classification through an automated scoring system. Utilizing variant allele frequency, disease prevalence and penetrance estimates, and inheritance mode, an automated score was calculated to assess if this variant is too frequent to cause the disease. Based on the score and internal cut-off values, a variant classified as likely benign is not then subjected to further curation. The score for this variant resulted in a classification of likely benign for this disease.

Breakthrough Genomics
Classification: Likely benign. Review status: criteria provided, single submitter. Criteria: ACMG Guidelines, 2015. Collection method: not provided. Allele origin: germline. Inheritance: Autosomal dominant inheritance. Affected: yes.

NM_002272.4(KRT4):c.1346+15A>T

Gene: KRT4 (keratin 4; minus strand). Cytogenetic location: 12q13.13.
Variant type: single nucleotide variant.
Coding change: c.1346+15A>T on transcript NM_002272.4 (MANE Select); 15 bases into the intron after coding-DNA position 1346, A replaced by T.
Molecular consequence: intron variant.
Genome position (GRCh38, 1-based): chr12:52,807,629, T>A on the plus strand (A>T on the coding strand, the complement: KRT4 is on the minus strand). VCF-style: chr12-52807629-T-A. GRCh37 (hg19) VCF-style: chr12-53201413-T-A.
Identifiers: ClinVar variation 882765 (VCV000882765.5), dbSNP rs931479, ClinGen allele CA6588432.